The following is an entry in ClinVar:

NM_002202.3(ISL1):c.459G>T (p.Ala153=)

Gene: ISL1 (ISL LIM homeobox 1; plus strand). Cytogenetic location: 5q11.1.
Variant type: single nucleotide variant.
Coding change: c.459G>T on transcript NM_002202.3 (MANE Select); coding-DNA position 459, G replaced by T.
Protein change: p.Ala153=; no amino-acid change (alanine 153 retained).
Molecular consequence: synonymous variant.
Genome position (GRCh38, 1-based): chr5:51,387,730, G>T. VCF-style: chr5-51387730-G-T. GRCh37 (hg19) VCF-style: chr5-50683564-G-T.
Identifiers: ClinVar variation 3048762 (VCV003048762.2), dbSNP rs368770808, ClinGen allele CA444402849.

ClinVar aggregate classification (germline): Likely benign (0 of 4 stars; one submission).

Conditions:
ISL1-related disorder. Also called: ISL1-related condition.

gnomAD v4.1: 42 of 1,614,186 alleles (0.0026%); highest among the groups gnomAD compares: Non-Finnish European, 0.0033%; no homozygotes.

Submission:

PreventionGenetics, part of Exact Sciences
Classification: Likely benign for ISL1-related condition. Last evaluated: 2023-05-18. Review status: no assertion criteria provided. Collection method: clinical testing. Allele origin: germline.
Comment: This variant is classified as likely benign based on ACMG/AMP sequence variant interpretation guidelines (Richards et al. 2015 PMID: 25741868, with internal and published modifications).